The following is an entry in ClinVar:

NM_000166.6(GJB1):c.478T>C (p.Tyr160His)

Gene: GJB1 (gap junction protein beta 1; plus strand). Cytogenetic location: Xq13.1.
Variant type: single nucleotide variant.
Coding change: c.478T>C on transcript NM_000166.6 (MANE Select); coding-DNA position 478, T replaced by C.
Protein change: p.Tyr160His; replaces tyrosine 160 with histidine.
Molecular consequence: missense variant.
Genome position (GRCh38, 1-based): chrX:71,224,185, T>C. VCF-style: chrX-71224185-T-C. GRCh37 (hg19) VCF-style: chrX-70444035-T-C.
Other names: c.478T>C, p.Tyr160His (NM_001097642.3); short protein forms Y160H.
Identifiers: ClinVar variation 447432 (VCV000447432.14), dbSNP rs1555937197, ClinGen allele CA413502688.

ClinVar aggregate classification (germline): Pathogenic/Likely pathogenic. Review status: criteria provided, multiple submitters, no conflicts (2 of 4 stars). 4 submissions from 4 submitters: Pathogenic (1); Likely pathogenic (2). 1 of the submissions does not count toward it. Last evaluated 2024-07-01.

Conditions:
Charcot-Marie-Tooth disease. Also called: Charcot-Marie-Tooth Neuropathy; Charcot-Marie-Tooth Hereditary Neuropathy. Identifiers: Orphanet 166, MedGen C0007959, MONDO:0015626.
Charcot-Marie-Tooth Neuropathy X. Identifiers: MedGen CN118851.

Submissions (4):

Labcorp Genetics (formerly Invitae), Labcorp
Classification: Pathogenic for Charcot-Marie-Tooth Neuropathy X. Last evaluated: 2024-07-01. Review status: criteria provided, single submitter. Criteria: Invitae Variant Classification Sherloc (09022015). Collection method: clinical testing. Allele origin: germline.
Comment: This sequence change replaces tyrosine, which is neutral and polar, with histidine, which is basic and polar, at codon 160 of the GJB1 protein (p.Tyr160His). This variant is not present in population databases (gnomAD no frequency). This missense change has been observed in individuals with Charcot-Marie-Tooth disease (CMT) (PMID: 9361298, 18379723, 19691535). It has also been observed to segregate with disease in related individuals. ClinVar contains an entry for this variant (Variation ID: 447432). Advanced modeling of protein sequence and biophysical properties (such as structural, functional, and spatial information, amino acid conservation, physicochemical variation, residue mobility, and thermodynamic stability) performed at Invitae indicates that this missense variant is not expected to disrupt GJB1 protein function with a negative predictive value of 80%. For these reasons, this variant has been classified as Pathogenic.

Athena Diagnostics
Classification: Likely pathogenic. Last evaluated: 2024-01-02. Review status: criteria provided, single submitter. Criteria: Athena Diagnostics Criteria. Collection method: clinical testing. Allele origin: unknown.
Comment: This variant has been identified in at least one individual with clinical features associated with this gene. This variant has not been reported in large, multi-ethnic general populations. Computational tools predict that this variant is damaging. The variant is located in a region that is considered important for protein function and/or structure.

GeneDx
Classification: Likely pathogenic. Last evaluated: 2022-03-15. Review status: criteria provided, single submitter. Criteria: GeneDx Variant Classification Process June 2021. Collection method: clinical testing. Allele origin: germline. Affected: yes.
Comment: Not observed at significant frequency in large population cohorts (gnomAD); Missense variants in this gene are often considered pathogenic (HGMD); In silico analysis supports that this missense variant has a deleterious effect on protein structure/function; Observed in an individual with Charcot-Marie-Tooth disease (Keckarevic-Markovic et al., 2009); This variant is associated with the following publications: (PMID: 21291455, 9361298, 18379723, 19691535)

Inherited Neuropathy Consortium
Classification: Uncertain significance for Charcot-Marie-Tooth disease. Review status: no assertion criteria provided. Collection method: literature only. Allele origin: germline. Affected: yes. Not counted in ClinVar's aggregate classification.

Literature cited by the submitters: PubMed 9361298 (cited by Labcorp Genetics (formerly Invitae), Labcorp and Inherited Neuropathy Consortium); PubMed 18379723 (cited by Labcorp Genetics (formerly Invitae), Labcorp and Athena Diagnostics); PubMed 19691535 (cited by Labcorp Genetics (formerly Invitae), Labcorp and Athena Diagnostics).